The following is an entry in ClinVar:

NM_001374736.1(DST):c.4793G>T (p.Arg1598Leu)

Gene: DST (dystonin; minus strand). Cytogenetic location: 6p12.1.
Variant type: single nucleotide variant.
Coding change: c.4793G>T on transcript NM_001374736.1 (MANE Select); coding-DNA position 4793, G replaced by T.
Protein change: p.Arg1598Leu; replaces arginine 1598 with leucine.
Molecular consequence: missense variant.
Genome position (GRCh38, 1-based): chr6:56,625,194, C>A on the plus strand (G>T on the coding strand, the complement: DST is on the minus strand). VCF-style: chr6-56625194-C-A. GRCh37 (hg19) VCF-style: chr6-56489992-C-A.
Other names: c.4694G>T, p.Arg1565Leu (NM_001144769.5); c.4280G>T, p.Arg1427Leu (NM_001144770.2); c.4793G>T, p.Arg1598Leu (NM_001374722.1); c.4160G>T, p.Arg1387Leu (NM_001374729.1, NM_001374730.1, NM_001386100.1 and 1 more transcripts); c.4820G>T, p.Arg1607Leu (NM_001374734.1); c.3182G>T, p.Arg1061Leu (NM_001723.7, NM_015548.5); short protein forms R1427L, R1598L, R1061L, R1387L, R1607L, R1565L.
Identifiers: ClinVar variation 2004208 (VCV002004208.4), dbSNP rs369264011, ClinGen allele CA364572751.

ClinVar aggregate classification (germline): Uncertain significance (1 of 4 stars; one submission).

Conditions:
Hereditary sensory and autonomic neuropathy type 6. Also called: HSAN VI; Neuropathy, hereditary sensory and autonomic, type VI. Identifiers: Orphanet 314381, MedGen C3539003, MONDO:0013839, OMIM 614653.
Epidermolysis bullosa simplex 3, localized or generalized intermediate, with BP230 deficiency (EBS3). Also called: Epidermolysis bullosa simplex due to BP230 deficiency; Epidermolysis bullosa simplex, autosomal recessive 2. Identifiers: Orphanet 412181, MedGen C3809470, MONDO:0014180, OMIM 615425.

Submission:

Labcorp Genetics (formerly Invitae), Labcorp
Classification: Uncertain significance for Epidermolysis bullosa simplex 3, localized or generalized intermediate, with BP230 deficiency; Hereditary sensory and autonomic neuropathy type 6. Last evaluated: 2022-06-10. Review status: criteria provided, single submitter. Criteria: Invitae Variant Classification Sherloc (09022015). Collection method: clinical testing. Allele origin: germline.
Comment: In summary, the available evidence is currently insufficient to determine the role of this variant in disease. Therefore, it has been classified as a Variant of Uncertain Significance. Algorithms developed to predict the effect of missense changes on protein structure and function (SIFT, PolyPhen-2, Align-GVGD) all suggest that this variant is likely to be disruptive. This variant has not been reported in the literature in individuals affected with DST-related conditions. This variant is not present in population databases (gnomAD no frequency). This sequence change replaces arginine, which is basic and polar, with leucine, which is neutral and non-polar, at codon 1061 of the DST protein (p.Arg1061Leu).